The following is an entry in ClinVar:

ClinVar aggregate classification (germline): Uncertain significance (1 of 4 stars; one submission).

Conditions:
Adams-Oliver syndrome 5 (AOS5). Identifiers: Orphanet 974, MedGen C4014970, MONDO:0014459, OMIM 616028.

Allele frequency attached by ClinVar (database versions not stated): gnomAD exomes below 0.00001.
gnomAD v4.1: 4 of 1,612,696 alleles (0.00025%); highest among the groups gnomAD compares: Non-Finnish European, 0.00034%; no homozygotes.

Submission:

Labcorp Genetics (formerly Invitae), Labcorp
Classification: Uncertain significance for Adams-Oliver syndrome 5. Last evaluated: 2023-12-12. Review status: criteria provided, single submitter. Criteria: Invitae Variant Classification Sherloc (09022015). Collection method: clinical testing. Allele origin: germline.
Comment: This sequence change replaces valine, which is neutral and non-polar, with isoleucine, which is neutral and non-polar, at codon 1462 of the NOTCH1 protein (p.Val1462Ile). This variant is present in population databases (no rsID available, gnomAD 0.0009%). This variant has not been reported in the literature in individuals affected with NOTCH1-related conditions. Advanced modeling of protein sequence and biophysical properties (such as structural, functional, and spatial information, amino acid conservation, physicochemical variation, residue mobility, and thermodynamic stability) performed at Invitae indicates that this missense variant is not expected to disrupt NOTCH1 protein function with a negative predictive value of 80%. In summary, the available evidence is currently insufficient to determine the role of this variant in disease. Therefore, it has been classified as a Variant of Uncertain Significance.

NM_017617.5(NOTCH1):c.4384G>A (p.Val1462Ile)

Gene: NOTCH1 (notch receptor 1; minus strand). Cytogenetic location: 9q34.3.
Variant type: single nucleotide variant.
Coding change: c.4384G>A on transcript NM_017617.5 (MANE Select); coding-DNA position 4384, G replaced by A.
Protein change: p.Val1462Ile; replaces valine 1462 with isoleucine.
Molecular consequence: missense variant.
Genome position (GRCh38, 1-based): chr9:136,505,512, C>T on the plus strand (G>A on the coding strand, the complement: NOTCH1 is on the minus strand). VCF-style: chr9-136505512-C-T. GRCh37 (hg19) VCF-style: chr9-139399964-C-T.
Other names: short protein forms V1462I.
Identifiers: ClinVar variation 2699795 (VCV002699795.3), dbSNP rs1295977045, ClinGen allele CA375647916.
Genomic context (GRCh38, chr9:136,505,512, plus strand): 5'-TGAGGGAGCAGTCACCGCCGTCCCAGCCGCACGCGTGGTTGTTGCACTGCAGGCTGCAGA[C>T]CTTGTTGCCCGCGTCCTCCTGGCACTCGGGCAGCTCGCACGCCTCCTCGATCAGCGGCGG-3'
Protein context (NP_060087.3, residues 1452-1472): PECQEDAGNK[Val1462Ile]CSLQCNNHAC